The following is an entry in ClinVar:

ClinVar aggregate classification (germline): Uncertain significance (1 of 4 stars; one submission).

Submission:

Labcorp Genetics (formerly Invitae), Labcorp
Classification: Uncertain significance. Last evaluated: 2025-02-26. Review status: criteria provided, single submitter. Criteria: Invitae Variant Classification Sherloc (09022015). Collection method: clinical testing. Allele origin: germline.
Comment: This sequence change replaces phenylalanine, which is neutral and non-polar, with leucine, which is neutral and non-polar, at codon 2595 of the ANK3 protein (p.Phe2595Leu). This variant is not present in population databases (gnomAD no frequency). This variant has not been reported in the literature in individuals affected with ANK3-related conditions. Invitae Evidence Modeling of protein sequence and biophysical properties (such as structural, functional, and spatial information, amino acid conservation, physicochemical variation, residue mobility, and thermodynamic stability) has been performed for this missense variant. However, the output from this modeling did not meet the statistical confidence thresholds required to predict the impact of this variant on ANK3 protein function. In summary, the available evidence is currently insufficient to determine the role of this variant in disease. Therefore, it has been classified as a Variant of Uncertain Significance.

NM_020987.5(ANK3):c.7785T>A (p.Phe2595Leu)

Gene: ANK3 (ankyrin 3; minus strand). Cytogenetic location: 10q21.2.
Variant type: single nucleotide variant.
Coding change: c.7785T>A on transcript NM_020987.5 (MANE Select); coding-DNA position 7785, T replaced by A.
Protein change: p.Phe2595Leu; replaces phenylalanine 2595 with leucine.
Molecular consequence: missense variant. On other transcripts: intron variant (4).
Genome position (GRCh38, 1-based): chr10:60,073,096, A>T on the plus strand (T>A on the coding strand, the complement: ANK3 is on the minus strand). VCF-style: chr10-60073096-A-T. GRCh37 (hg19) VCF-style: chr10-61832854-A-T.
Other names: c.4388-5087T>A (NM_001204403.2); c.4409-5087T>A (NM_001204404.2); c.4406-5087T>A (NM_001320874.2); c.1808-5087T>A (NM_001149.4); short protein forms F2595L.
Identifiers: ClinVar variation 4745097 (VCV004745097.1).